The following is an entry in ClinVar:

NM_000136.3(FANCC):c.996+1056C>A

Genes: AOPEP (aminopeptidase O (putative); plus strand), FANCC (FA complementation group C; minus strand). Cytogenetic location: 9q22.32.
Variant type: single nucleotide variant.
Coding change: c.996+1056C>A on transcript NM_000136.3 (MANE Select); 1056 bases into the intron after coding-DNA position 996, C replaced by A.
Molecular consequence: intron variant.
Genome position (GRCh38, 1-based): chr9:95,124,030, G>T on the plus strand (C>A on the coding strand, the complement: FANCC is on the minus strand). VCF-style: chr9-95124030-G-T. GRCh37 (hg19) VCF-style: chr9-97886312-G-T.
Other names: c.996+1056C>A (NM_001243743.2, NM_001243744.2).
Identifiers: ClinVar variation 929813 (VCV000929813.1), dbSNP rs879559, ClinGen allele CA12964263.
Genomic context (GRCh38, chr9:95,124,030, plus strand): 5'-ACATGCACCTGTGGTCCCAGCTACACGCAGGGGCTGAAGTGTGAGGATCACCTGAGCTTG[G>T]GGGGTTGAGACTGCAGTAAACTGAGATCACATCACTGCACTCCAGCCTGGGTGACAGAGT-3'

ClinVar aggregate classification (germline): Likely benign (0 of 4 stars; one submission).

Conditions:
X-linked central congenital hypothyroidism with late-onset testicular enlargement. Also called: Hypothyroidism, central, and testicular enlargement; HYPOTHYROIDISM, CENTRAL, WITH TESTICULAR ENLARGEMENT. Identifiers: Orphanet 329235, MedGen C3550963, MONDO:0010475, OMIM 300888.

Allele frequency attached by ClinVar (database versions not stated): 1000 Genomes Project 30x 0.13710; 1000 Genomes Project 0.13738; TOPMed 0.20587.
gnomAD v4.1: 33,333 of 149,354 alleles (22%); highest among the groups gnomAD compares: Non-Finnish European, 32%; 4,775 homozygotes.

Submission:

Leiden Open Variation Database
Classification: Likely benign for X-linked central congenital hypothyroidism with late-onset testicular enlargement. Last evaluated: 2020-02-28. Review status: no assertion criteria provided. Collection method: curation. Allele origin: germline. Affected: yes.
Comment: Curator: Arleen D. Auerbach. Submitter to LOVD: Yu Sun.